The following is an entry in ClinVar:

ClinVar aggregate classification (germline): Uncertain significance. Review status: criteria provided, multiple submitters, no conflicts (2 of 4 stars). 2 submissions from 2 submitters: Uncertain significance (2). Last evaluated 2025-11-19.

Allele frequency attached by ClinVar (database versions not stated): gnomAD 0.00007; ExAC 0.00001; gnomAD exomes 0.00001; TOPMed 0.00006.
gnomAD v4.1: 17 of 1,613,308 alleles (0.0011%); highest among the groups gnomAD compares: African/African-American, 0.017%; no homozygotes.

Submissions (2):

Labcorp Genetics (formerly Invitae), Labcorp
Classification: Uncertain significance. Last evaluated: 2025-11-19. Review status: criteria provided, single submitter. Criteria: Invitae Variant Classification Sherloc (09022015). Collection method: clinical testing. Allele origin: germline.
Comment: This sequence change replaces arginine, which is basic and polar, with lysine, which is basic and polar, at codon 401 of the C6 protein (p.Arg401Lys). This variant is present in population databases (rs771064109, gnomAD 0.02%). This variant has not been reported in the literature in individuals affected with C6-related conditions. ClinVar contains an entry for this variant (Variation ID: 2898428). An algorithm developed to predict the effect of missense changes on protein structure and function (PolyPhen-2) suggests that this variant is likely to be tolerated. In summary, the available evidence is currently insufficient to determine the role of this variant in disease. Therefore, it has been classified as a Variant of Uncertain Significance.

GeneDx
Classification: Uncertain significance. Last evaluated: 2023-07-26. Review status: criteria provided, single submitter. Criteria: GeneDx Variant Classification Process June 2021. Collection method: clinical testing. Allele origin: germline. Affected: yes.
Comment: In silico analysis supports that this missense variant does not alter protein structure/function; Has not been previously published as pathogenic or benign to our knowledge

NM_000065.5(C6):c.1202G>A (p.Arg401Lys)

Gene: C6 (complement C6; minus strand). Cytogenetic location: 5p13.1.
Variant type: single nucleotide variant.
Coding change: c.1202G>A on transcript NM_000065.5 (MANE Select); coding-DNA position 1202, G replaced by A.
Protein change: p.Arg401Lys; replaces arginine 401 with lysine.
Molecular consequence: missense variant.
Genome position (GRCh38, 1-based): chr5:41,172,314, C>T on the plus strand (G>A on the coding strand, the complement: C6 is on the minus strand). VCF-style: chr5-41172314-C-T. GRCh37 (hg19) VCF-style: chr5-41172416-C-T.
Other names: c.1202G>A (NM_000065.3); c.1202G>A, p.Arg401Lys (NM_001115131.4); short protein forms R401K.
Identifiers: ClinVar variation 2898428 (VCV002898428.4), dbSNP rs771064109, ClinGen allele CA3252529.